The following is an entry in ClinVar:

NM_000209.4(PDX1):c.800C>T (p.Ala267Val)

Gene: PDX1 (pancreatic and duodenal homeobox 1; plus strand). Cytogenetic location: 13q12.2.
Variant type: single nucleotide variant.
Coding change: c.800C>T on transcript NM_000209.4 (MANE Select); coding-DNA position 800, C replaced by T.
Protein change: p.Ala267Val; replaces alanine 267 with valine.
Molecular consequence: missense variant.
Genome position (GRCh38, 1-based): chr13:27,924,649, C>T. VCF-style: chr13-27924649-C-T. GRCh37 (hg19) VCF-style: chr13-28498786-C-T.
Other names: short protein forms A267V.
Identifiers: ClinVar variation 1801846 (VCV001801846.1), dbSNP rs1446979797, ClinGen allele CA387646782.

ClinVar aggregate classification (germline): Uncertain significance (1 of 4 stars; one submission).

Conditions:
Pancreatic hypoplasia. Identifiers: MedGen C0266267, HP:0002594.

Submission:

Clinical Genomics, Uppaluri K&H Personalized Medicine Clinic
Classification: Uncertain significance for Pancreatic hypoplasia. Review status: criteria provided, single submitter. Criteria: K & H Uppaluri Personalized Medicine Clinic Variant Classification & Assertion Criteria_Updated V.1. Collection method: research. Allele origin: unknown. Inheritance: Autosomal recessive inheritance.
Comment: Potent homozygous mutations in the PDX1 gene can lead to pancreatic agenesis/pancreatic hypoplasia and neonatal diabetes mellitus. However no sufficient evidence is found to ascertain the role of this particular variant rs1446979797, yet.

Literature cited by the submitters: PubMed 31366392; PubMed 19855005; PubMed 29396371; PubMed 28436541; PubMed 27386488; PubMed 19817786.